The following is an entry in ClinVar:

NM_001972.4(ELANE):c.791G>A (p.Ser264Asn)

Gene: ELANE (elastase, neutrophil expressed; plus strand). Cytogenetic location: 19p13.3.
Variant type: single nucleotide variant.
Coding change: c.791G>A on transcript NM_001972.4 (MANE Select); coding-DNA position 791, G replaced by A.
Protein change: p.Ser264Asn; replaces serine 264 with asparagine.
Molecular consequence: missense variant.
Genome position (GRCh38, 1-based): chr19:856,151, G>A. VCF-style: chr19-856151-G-A. GRCh37 (hg19) VCF-style: chr19-856151-G-A.
Other names: short protein forms S264N.
Identifiers: ClinVar variation 4248101 (VCV004248101.1).

ClinVar aggregate classification (germline): Uncertain significance (1 of 4 stars; one submission).

Conditions:
Inborn genetic diseases. Identifiers: MedGen C0950123, MeSH D030342.

Submission:

Ambry Genetics
Classification: Uncertain significance for Inborn genetic diseases. Last evaluated: 2025-08-28. Review status: criteria provided, single submitter. Criteria: Ambry Variant Classification Scheme 2023. Collection method: clinical testing. Allele origin: germline.
Comment: The p.S264N variant (also known as c.791G>A), located in coding exon 5 of the ELANE gene, results from a G to A substitution at nucleotide position 791. The serine at codon 264 is replaced by asparagine, an amino acid with highly similar properties. This amino acid position is conserved. In addition, this alteration is predicted to be tolerated by in silico analysis. Based on the available evidence, the clinical significance of this variant remains unclear.